The following is an entry in ClinVar:

ClinVar aggregate classification (germline): Pathogenic/Likely pathogenic. Review status: criteria provided, multiple submitters, no conflicts (2 of 4 stars). 43 submissions from 41 submitters: Pathogenic (35); Likely pathogenic (2). 6 of the submissions do not count toward it. Last evaluated 2026-08-06.

Conditions:
Pyridoxine-dependent epilepsy caused by ALDH7A1 mutant. Identifiers: MedGen CN293409, MONDO:0020741.
ALDH7A1-related disorder. Also called: ALDH7A1-related condition.
Inborn genetic diseases. Identifiers: MedGen C0950123, MeSH D030342.
Epilepsy. Also called: Seizure disorder. Identifiers: MedGen C0014544, MeSH D004827, MONDO:0005027.
Pyridoxine-dependent epilepsy (EPEO4). Also called: PYRIDOXINE DEPENDENCY WITH SEIZURES; EPILEPSY, EARLY-ONSET, 4, VITAMIN B6-DEPENDENT; Pyridoxine-Dependent Epilepsy - ALDH7A1; Pyridoxine-Dependent Seizures. Identifiers: Orphanet 3006, MedGen C1849508, MONDO:0009945, OMIM 266100. Disease mechanism: loss of function.
Seizure. Also called: Seizures. Identifiers: MedGen C0036572, HP:0001250.

Allele frequency attached by ClinVar (database versions not stated): 1000 Genomes Project 30x 0.00016; gnomAD 0.00023 and 0.00024; TOPMed 0.00033; gnomAD exomes 0.00055 and 0.00036; 1000 Genomes Project 0.00020; ExAC 0.00042.
gnomAD v4.1: 828 of 1,613,960 alleles (0.051%); highest among the groups gnomAD compares: Non-Finnish European, 0.066%; no homozygotes.

Submissions 1 to 8 of 43:

Cytogénomique, Hospices Civils de Lyon
Classification: Pathogenic for Epilepsy. Last evaluated: 2026-08-06. Review status: criteria provided, single submitter. Criteria: ACMG Guidelines, 2015. Collection method: clinical testing. Allele origin: germline. Affected: yes.

Ambry Genetics
Classification: Pathogenic for Inborn genetic diseases. Last evaluated: 2026-06-30. Review status: criteria provided, single submitter. Criteria: Ambry Variant Classification Scheme 2023. Collection method: clinical testing. Allele origin: germline.
Comment: The c.1279G>C (p.E427Q) alteration is located in exon 14 (coding exon 14) of the ALDH7A1 gene. This alteration results from a G to C substitution at nucleotide position 1279, causing the glutamic acid (E) at amino acid position 427 to be replaced by a glutamine (Q). This variant has been identified in the homozygous state and/or in conjunction with other ALDH7A1 variant(s) in individual(s) with features consistent with ALDH7A1-related pyridoxine-dependent epilepsy; in at least one instance, the variants were identified in trans (Mills, 2006; Plecko, 2007; Bennett, 2009; Nam, 2012; Mefford, 2015; Butler, 2017). In multiple assays testing ALDH7A1 function, this variant showed functionally abnormal results (Mills, 2006; Coulter-Mackie, 2012). Based on data from gnomAD, the C allele has an overall frequency of 0.033% (93/282634) total alleles studied. The highest observed frequency was 0.061% (79/129032) of European (non-Finnish) alleles. This amino acid position is highly conserved in available vertebrate species. This alteration is predicted to be deleterious by BayesDel in silico analysis. Based on the majority of available evidence to date, this variant is pathogenic.

PreventionGenetics, part of Exact Sciences
Classification: Pathogenic for ALDH7A1-related condition. Last evaluated: 2026-04-17. Review status: criteria provided, single submitter. Criteria: ACMG Guidelines, 2015. Collection method: clinical testing. Allele origin: germline.
Comment: The ALDH7A1 c.1279G>C variant is predicted to result in the amino acid substitution p.Glu427Gln. This variant, also described as E399Q, has been reported in the homozygous and compound heterozygous states in multiple individuals with pyridoxine-dependent epilepsy (Mills et al. 2006. PubMed ID: 16491085; Mefford et al. 2015. PubMed ID: 26224730; Bennett et al. 2009. PubMed ID: 19128417; Butler et al. 2017. PubMed ID: 29056246). In vitro functional studies show this variant results in loss of alpha-aminoadipic semialdehyde dehydrogenase activity (Mills et al. 2006. PubMed ID: 16491085; Laciak et al. 2019. PubMed ID: 31652343) This variant is reported in 0.061% of alleles in individuals of European (Non-Finnish) descent in gnomAD. This variant is interpreted as pathogenic.

Victorian Clinical Genetics Services, Murdoch Childrens Research Institute
Classification: Pathogenic for Pyridoxine-dependent epilepsy. Last evaluated: 2026-03-19. Review status: criteria provided, single submitter. Criteria: ACMG Guidelines, 2015. Collection method: clinical testing. Allele origin: germline. Affected: yes.
Comment: This variant is classified as Pathogenic. Evidence in support of pathogenic classification: Variant is present in gnomAD <0.01 for a recessive condition (v4: 828 heterozygote(s), 0 homozygote(s)); This variant has strong previous evidence of pathogenicity in unrelated individuals. This variant has been reported many times as pathogenic and likely pathogenic, and is described as a common pathogenic variant in the ALDH7A1 gene (ClinVar, PMID: 30043187); Missense variant predicted to be damaging by in silico tool(s) or highly conserved with a major amino acid change. Additional information: Variant is predicted to result in a missense amino acid change from Glu to Gln; This variant is heterozygous; This gene is associated with autosomal recessive disease; Alternative amino acid change(s) at the same position are present in gnomAD (highest allele count: v4: 2 heterozygote(s), 0 homozygote(s)); Variant is located in the annotated NAD binding site within the aldehyde dehydrogenase domain (DECIPHER); Loss of function is a known mechanism of disease in this gene and is associated with epilepsy, early-onset, 4, vitamin B6-dependent (MIM#266100).

Labcorp Genetics (formerly Invitae), Labcorp
Classification: Pathogenic for Pyridoxine-dependent epilepsy. Last evaluated: 2026-02-03. Review status: criteria provided, single submitter. Criteria: Invitae Variant Classification Sherloc (09022015). Collection method: clinical testing. Allele origin: germline.
Comment: This sequence change replaces glutamic acid, which is acidic and polar, with glutamine, which is neutral and polar, at codon 427 of the ALDH7A1 protein (p.Glu427Gln). This variant is present in population databases (rs121912707, gnomAD 0.06%). This missense change has been observed in individual(s) with pyridoxine dependent epilepsy (PMID: 16491085, 19128417, 22371912, 26224730). It has also been observed to segregate with disease in related individuals. ClinVar contains an entry for this variant (Variation ID: 17994). Invitae Evidence Modeling of protein sequence and biophysical properties (such as structural, functional, and spatial information, amino acid conservation, physicochemical variation, residue mobility, and thermodynamic stability) indicates that this missense variant is expected to disrupt ALDH7A1 protein function with a positive predictive value of 95%. Experimental studies have shown that this missense change affects ALDH7A1 function (PMID: 16491085). For these reasons, this variant has been classified as Pathogenic.

Dasa
Classification: Pathogenic. Last evaluated: 2025-12-23. Review status: criteria provided, single submitter. Criteria: DASA Assertion Criteria. Collection method: clinical testing. Allele origin: germline.
Comment: NM_001182.5(ALDH7A1):c.1279G>C (p.Glu427Gln) is a missense variant that results in the substitution of glutamic acid with glutamine. The affected residue or protein region has prior evidence supporting clinical relevance. This variant has been observed in affected individuals with related phenotype in a genotype context consistent with recessive disease (PMID: 22371912; PMID: 19128417; PMID: 16491085). Functional evidence supports a deleterious effect on the gene or gene product (PMID: 22371912; PMID: 19128417; PMID: 16491085). This variant has been recurrently observed in individuals with related phenotype (PMID: 22371912; PMID: 19128417; PMID: 16491085). Multiple computational predictions support a deleterious effect on the gene or gene product. The variant is present at low frequency in population datasets. Based on the available data, this variant is classified as pathogenic.

3billion
Classification: Pathogenic for Pyridoxine-dependent epilepsy. Last evaluated: 2025-12-18. Review status: criteria provided, single submitter. Criteria: ACMG Guidelines, 2015. Collection method: clinical testing. Allele origin: germline. Affected: yes.
Comment: The variant is observed at an extremely low frequency in the gnomAD v4.1.0 dataset (total allele frequency: 0.051%). Predicted Consequence/Location: Missense variant Functional studies provide moderate evidence of the variant having a damaging effect on the gene or gene product (PMID: 16491085, 22784480). In silico tool predictions suggest damaging effect of the variant on gene or gene product [REVEL: 0.94 (>=0.6, sensitivity 0.68 and specificity 0.92); 3Cnet: 0.97 (> 0.75, sensitivity 0.96 and precision 0.92)]. The same nucleotide change resulting in the same amino acid change has been previously reported as pathogenic/likely pathogenic with strong evidence (ClinVar ID: VCV000017994 /PMID: 16491085 /3billion dataset). Different missense changes at the same codon (p.Glu427Asp, p.Glu427Gly) have been reported as pathogenic/likely pathogenic with strong evidence (ClinVar ID: VCV000204865, VCV000944165 /PMID: 19128417). Therefore, this variant is classified as Pathogenic according to the recommendation of ACMG/AMP guideline.

CeGaT Center for Human Genetics Tuebingen
Classification: Pathogenic. Last evaluated: 2025-07-01. Review status: criteria provided, single submitter. Criteria: CeGaT Center For Human Genetics Tuebingen Variant Classification Criteria Version 2. Collection method: clinical testing. Allele origin: germline. Affected: yes. Observed: 1 variant allele.
Comment: ALDH7A1: PM3:Very Strong, PM1, PM2, PM5, PP3, PS3:Supporting

NM_001182.5(ALDH7A1):c.1279G>C (p.Glu427Gln)

Gene: ALDH7A1 (aldehyde dehydrogenase 7 family member A1; minus strand). Cytogenetic location: 5q23.2.
Variant type: single nucleotide variant.
Coding change: c.1279G>C on transcript NM_001182.5 (MANE Select); coding-DNA position 1279, G replaced by C.
Protein change: p.Glu427Gln; replaces glutamic acid 427 with glutamine.
Molecular consequence: missense variant.
Genome position (GRCh38, 1-based): chr5:126,552,059, C>G on the plus strand (G>C on the coding strand, the complement: ALDH7A1 is on the minus strand). VCF-style: chr5-126552059-C-G. GRCh37 (hg19) VCF-style: chr5-125887751-C-G.
Other names: p.E427Q:GAG>CAG; NM_001182.5(ALDH7A1):c.1279G>C; c.1195G>C, p.Glu399Gln (NM_001201377.2); c.1087G>C, p.Glu363Gln (NM_001202404.2); short protein forms E399Q, E427Q, E363Q.
Identifiers: ClinVar variation 17994 (VCV000017994.88), dbSNP rs121912707, ClinGen allele CA258070.